The following is an entry in ClinVar:

ClinVar aggregate classification (germline): Benign/Likely benign. Review status: criteria provided, multiple submitters, no conflicts (2 of 4 stars). 7 submissions from 7 submitters: Benign (1); Likely benign (5). 1 of the submissions does not count toward it. Last evaluated 2026-05-14.

Conditions:
Hereditary cancer-predisposing syndrome. Also called: Neoplastic Syndromes, Hereditary; Hereditary Cancer Syndrome; Tumor predisposition; Hereditary neoplastic syndrome. Identifiers: Orphanet 140162, MedGen C0027672, MeSH D009386, MONDO:0015356.
Neurofibromatosis, type 1 (NF1). Also called: Peripheral type neurofibromatosis; Neurofibromatosis, type I; VON RECKLINGHAUSEN DISEASE; NEUROFIBROMATOSIS, TYPE I, SOMATIC. Identifiers: Orphanet 636, MedGen C0027831, MONDO:0018975, OMIM 162200. Disease mechanism: loss of function.
NF1-related disorder. Also called: NF1-related condition. Identifiers: MedGen CN379171.

Allele frequency attached by ClinVar (database versions not stated): TOPMed below 0.00001; gnomAD exomes 0.00001; ExAC 0.00002.
gnomAD v4.1: 6 of 1,609,042 alleles (0.00037%); highest among the groups gnomAD compares: Non-Finnish European, 0.00043%; no homozygotes.

Submissions (7):

Myriad Genetics, Inc.
Classification: Benign for Neurofibromatosis, type 1. Last evaluated: 2026-05-14. Review status: criteria provided, single submitter. Criteria: Myriad Autosomal Dominant, Autosomal Recessive and X-Linked Classification Criteria (2023). Collection method: clinical testing. Allele origin: unknown.
Comment: This variant is considered benign. This variant is a silent/synonymous amino acid change and it is not expected to impact splicing.

Labcorp Genetics (formerly Invitae), Labcorp
Classification: Likely benign for Neurofibromatosis, type 1. Last evaluated: 2025-10-07. Review status: criteria provided, single submitter. Criteria: Invitae Variant Classification Sherloc (09022015). Collection method: clinical testing. Allele origin: germline.

Blueprint Genetics
Classification: Likely benign. Last evaluated: 2023-05-05. Review status: criteria provided, single submitter. Criteria: ACMG Guidelines, 2015. Collection method: clinical testing. Allele origin: germline.

Genome-Nilou Lab
Classification: Likely benign for Neurofibromatosis, type 1. Last evaluated: 2022-03-15. Review status: criteria provided, single submitter. Criteria: ACMG Guidelines, 2015. Collection method: clinical testing. Allele origin: germline. Affected: no.

GeneDx
Classification: Likely benign. Last evaluated: 2018-02-02. Review status: criteria provided, single submitter. Criteria: GeneDx Variant Classification (06012015). Collection method: clinical testing. Allele origin: germline. Affected: yes.
Comment: This variant is considered likely benign or benign based on one or more of the following criteria: it is a conservative change, it occurs at a poorly conserved position in the protein, it is predicted to be benign by multiple in silico algorithms, and/or has population frequency not consistent with disease.

Ambry Genetics
Classification: Likely benign for Hereditary cancer-predisposing syndrome. Last evaluated: 2015-08-14. Review status: criteria provided, single submitter. Criteria: Ambry Autosomal Dominant and X-Linked criteria (10/2015). Collection method: clinical testing. Allele origin: germline. Observed: 1 variant allele.
Comment: Synonymous alterations with insufficient evidence to classify as benign

PreventionGenetics, part of Exact Sciences
Classification: Likely benign for NF1-related condition. Last evaluated: 2023-02-16. Review status: no assertion criteria provided. Collection method: clinical testing. Allele origin: germline. Not counted in ClinVar's aggregate classification.
Comment: This variant is classified as likely benign based on ACMG/AMP sequence variant interpretation guidelines (Richards et al. 2015 PMID: 25741868, with internal and published modifications).

NM_001042492.3(NF1):c.235T>C (p.Leu79=)

Gene: NF1 (neurofibromin 1; plus strand). Cytogenetic location: 17q11.2.
Variant type: single nucleotide variant.
Coding change: c.235T>C on transcript NM_001042492.3 (MANE Select); coding-DNA position 235, T replaced by C.
Protein change: p.Leu79=; no amino-acid change (leucine 79 retained).
Molecular consequence: synonymous variant.
Genome position (GRCh38, 1-based): chr17:31,159,040, T>C. VCF-style: chr17-31159040-T-C. GRCh37 (hg19) VCF-style: chr17-29486058-T-C.
Other names: c.235T>C, p.Leu79= (NM_000267.4, NM_001128147.3).
Identifiers: ClinVar variation 233373 (VCV000233373.18), dbSNP rs764855221, ClinGen allele CA8485505.